The following is an entry in ClinVar:

NM_001386298.1(CIC):c.3504C>T (p.Ala1168=)

Gene: CIC (capicua transcriptional repressor; plus strand). Cytogenetic location: 19q13.2.
Variant type: single nucleotide variant.
Coding change: c.3504C>T on transcript NM_001386298.1 (MANE Select); coding-DNA position 3504, C replaced by T.
Protein change: p.Ala1168=; no amino-acid change (alanine 1168 retained).
Molecular consequence: synonymous variant.
Genome position (GRCh38, 1-based): chr19:42,287,821, C>T. VCF-style: chr19-42287821-C-T. GRCh37 (hg19) VCF-style: chr19-42791973-C-T.
Other names: c.3504C>T, p.Ala1168= (NM_001304815.2, NM_001379480.1, NM_001379482.1); c.777C>T, p.Ala259= (NM_001379484.1, NM_001379485.1, NM_015125.5).
Identifiers: ClinVar variation 780176 (VCV000780176.11), dbSNP rs191518667, ClinGen allele CA9471813.

ClinVar aggregate classification (germline): Benign/Likely benign. Review status: criteria provided, multiple submitters, no conflicts (2 of 4 stars). 3 submissions from 3 submitters: Benign (1); Likely benign (2). Last evaluated 2025-10-01.

Allele frequency attached by ClinVar (database versions not stated): gnomAD exomes 0.00001 and 0.00014; gnomAD 0.00007 and 0.00011; TOPMed 0.00010; ExAC 0.00015; 1000 Genomes Project 0.00040; 1000 Genomes Project 30x 0.00047.
gnomAD v4.1: 73 of 1,613,900 alleles (0.0045%); highest among the groups gnomAD compares: East Asian, 0.053%; no homozygotes.

Submissions (3):

CeGaT Center for Human Genetics Tuebingen
Classification: Likely benign. Last evaluated: 2025-10-01. Review status: criteria provided, single submitter. Criteria: CeGaT Center For Human Genetics Tuebingen Variant Classification Criteria Version 2. Collection method: clinical testing. Allele origin: germline. Affected: yes. Observed: 1 variant allele.
Comment: CIC: BP4, BP7

Blueprint Genetics
Classification: Likely benign. Last evaluated: 2024-11-20. Review status: criteria provided, single submitter. Criteria: ACMG Guidelines, 2015. Collection method: clinical testing. Allele origin: germline.

Labcorp Genetics (formerly Invitae), Labcorp
Classification: Benign. Last evaluated: 2019-12-31. Review status: criteria provided, single submitter. Criteria: Invitae Variant Classification Sherloc (09022015). Collection method: clinical testing. Allele origin: germline.